The following is an entry in ClinVar:

ClinVar aggregate classification (germline): Uncertain significance (1 of 4 stars; one submission).

Allele frequency attached by ClinVar (database versions not stated): gnomAD 0.00001; TOPMed 0.00001; gnomAD exomes 0.00002; ExAC 0.00003.
gnomAD v4.1: 35 of 1,611,020 alleles (0.0022%); highest among the groups gnomAD compares: Middle Eastern, 0.033%; no homozygotes.

Submission:

Ambry Genetics
Classification: Uncertain significance. Last evaluated: 2022-12-07. Review status: criteria provided, single submitter. Criteria: Ambry Variant Classification Scheme 2023. Collection method: clinical testing. Allele origin: germline.
Comment: The p.P1468S variant (also known as c.4402C>T), located in coding exon 16 of the POLQ gene, results from a C to T substitution at nucleotide position 4402. The proline at codon 1468 is replaced by serine, an amino acid with similar properties. This amino acid position is conserved. In addition, this alteration is predicted to be tolerated by in silico analysis. Since supporting evidence is limited at this time, the clinical significance of this alteration remains unclear.

NM_199420.4(POLQ):c.4402C>T (p.Pro1468Ser)

Gene: POLQ (DNA polymerase theta; minus strand). Cytogenetic location: 3q13.33.
Variant type: single nucleotide variant.
Coding change: c.4402C>T on transcript NM_199420.4 (MANE Select); coding-DNA position 4402, C replaced by T.
Protein change: p.Pro1468Ser; replaces proline 1468 with serine.
Molecular consequence: missense variant.
Genome position (GRCh38, 1-based): chr3:121,488,529, G>A on the plus strand (C>T on the coding strand, the complement: POLQ is on the minus strand). VCF-style: chr3-121488529-G-A. GRCh37 (hg19) VCF-style: chr3-121207376-G-A.
Other names: short protein forms P1468S.
Identifiers: ClinVar variation 2449587 (VCV002449587.2), dbSNP rs200380748, ClinGen allele CA2562903.
Genomic context (GRCh38, chr3:121,488,529, plus strand): 5'-TATCACTCATATTCAAACTTGTTTCAGGAACTGGAAGACATTCTCCTTCTACACCAGTGG[G>A]AGTTCTCTTTTGAGGAATCAGAAGTATAACTGGTTTCACAGTTTCTTGTGTTTGATAACC-3'
Protein context (NP_955452.3, residues 1458-1478): VILLIPQKRT[Pro1468Ser]TGVEGECLPV